The following is an entry in ClinVar:

ClinVar aggregate classification (germline): Uncertain significance. Review status: criteria provided, multiple submitters, no conflicts (2 of 4 stars). 2 submissions from 2 submitters: Uncertain significance (2). Last evaluated 2025-04-17.

Conditions:
Mitochondrial complex I deficiency, nuclear type 4. Also called: Mitochondrial complex 1 deficiency, nuclear type 4. Identifiers: MedGen C4748753, MONDO:0032609, OMIM 618225.
Inborn genetic diseases. Identifiers: MedGen C0950123, MeSH D030342.

Submissions (2):

Ambry Genetics
Classification: Uncertain significance for Inborn genetic diseases. Last evaluated: 2025-04-17. Review status: criteria provided, single submitter. Criteria: Ambry Variant Classification Scheme 2023. Collection method: clinical testing. Allele origin: germline.

Juno Genomics, Hangzhou Juno Genomics, Inc
Classification: Uncertain significance for Mitochondrial complex I deficiency, nuclear type 4. Review status: criteria provided, single submitter. Criteria: ACMG Guidelines, 2015. Collection method: clinical testing. Allele origin: germline.
Comment: Absent from controls (or at extremely low frequency if recessive) in Genome Aggregation Database.;Multiple lines of computational evidence support a deleterious effect on the gene or gene product.;For recessive disorders, detected in trans with a pathogenic variant.

NM_007103.4(NDUFV1):c.357G>T (p.Glu119Asp)

Gene: NDUFV1 (NADH:ubiquinone oxidoreductase core subunit V1; plus strand). Cytogenetic location: 11q13.2.
Variant type: single nucleotide variant.
Coding change: c.357G>T on transcript NM_007103.4 (MANE Select); coding-DNA position 357, G replaced by T.
Protein change: p.Glu119Asp; replaces glutamic acid 119 with aspartic acid.
Molecular consequence: missense variant.
Genome position (GRCh38, 1-based): chr11:67,609,482, G>T. VCF-style: chr11-67609482-G-T. GRCh37 (hg19) VCF-style: chr11-67376953-G-T.
Other names: c.330G>T, p.Glu110Asp (NM_001166102.2); short protein forms E110D, E119D.
Identifiers: ClinVar variation 3918458 (VCV003918458.3).